The following is an entry in ClinVar:

NM_000136.3(FANCC):c.1585A>C (p.Thr529Pro)

Genes: FANCC (FA complementation group C; minus strand), AOPEP (aminopeptidase O (putative); plus strand). Cytogenetic location: 9q22.32.
Variant type: single nucleotide variant.
Coding change: c.1585A>C on transcript NM_000136.3 (MANE Select); coding-DNA position 1585, A replaced by C.
Protein change: p.Thr529Pro; replaces threonine 529 with proline.
Molecular consequence: missense variant.
Genome position (GRCh38, 1-based): chr9:95,101,799, T>G on the plus strand (A>C on the coding strand, the complement: FANCC is on the minus strand). VCF-style: chr9-95101799-T-G. GRCh37 (hg19) VCF-style: chr9-97864081-T-G.
Other names: c.1585A>C, p.Thr529Pro (NM_001243743.2); short protein forms T529P.
Identifiers: ClinVar variation 134300 (VCV000134300.4), dbSNP rs587778326, ClinGen allele CA159396.

ClinVar aggregate classification (germline): Uncertain significance. Review status: criteria provided, single submitter (1 of 4 stars). 2 submissions from 2 submitters: Uncertain significance (1). 1 of the submissions does not count toward it. Last evaluated 2021-09-01.

Conditions:
Fanconi anemia (FA). Also called: Fanconi's anemia. Identifiers: Orphanet 84, MedGen C0015625, MeSH D005199, MONDO:0019391.

Submissions (2):

Labcorp Genetics (formerly Invitae), Labcorp
Classification: Uncertain significance for Fanconi anemia. Last evaluated: 2021-09-01. Review status: criteria provided, single submitter. Criteria: Invitae Variant Classification Sherloc (09022015). Collection method: clinical testing. Allele origin: germline.
Comment: This sequence change replaces threonine with proline at codon 529 of the FANCC protein (p.Thr529Pro). The threonine residue is moderately conserved and there is a small physicochemical difference between threonine and proline. This variant is not present in population databases (ExAC no frequency). This variant has not been reported in the literature in individuals affected with FANCC-related conditions. ClinVar contains an entry for this variant (Variation ID: 134300). Algorithms developed to predict the effect of missense changes on protein structure and function are either unavailable or do not agree on the potential impact of this missense change (SIFT: "Tolerated"; PolyPhen-2: "Probably Damaging"; Align-GVGD: "Class C0"). In summary, the available evidence is currently insufficient to determine the role of this variant in disease. Therefore, it has been classified as a Variant of Uncertain Significance.

ITMI
No classification provided. Condition: AllHighlyPenetrant. Last evaluated: 2013-09-19. Review status: no classification provided. Collection method: reference population. Allele origin: germline. Not counted in ClinVar's aggregate classification.
Comment: Please see associated publication for description of ethnicities

Literature cited by the submitters: PubMed 24728327 (cited by ITMI).